The following is an entry in ClinVar:

ClinVar aggregate classification (germline): Benign (0 of 4 stars; one submission).

Conditions:
MVB12B-related disorder. Also called: MVB12B-related condition.

Allele frequency attached by ClinVar (database versions not stated): ESP Exome Variant Server 0.08112; TOPMed 0.09356; gnomAD 0.09441; gnomAD exomes 0.11070; 1000 Genomes Project 30x 0.12539; ExAC 0.12822; 1000 Genomes Project 0.12959.
gnomAD v4.1: 176,575 of 1,612,318 alleles (11%); highest among the groups gnomAD compares: East Asian, 25%; 11,160 homozygotes.

Submission:

PreventionGenetics, part of Exact Sciences
Classification: Benign for MVB12B-related condition. Last evaluated: 2019-10-18. Review status: no assertion criteria provided. Collection method: clinical testing. Allele origin: germline.
Comment: This variant is classified as benign based on ACMG/AMP sequence variant interpretation guidelines (Richards et al. 2015 PMID: 25741868, with internal and published modifications).

NM_033446.3(MVB12B):c.297A>G (p.Ser99=)

Gene: MVB12B (multivesicular body subunit 12B; plus strand). Cytogenetic location: 9q33.3.
Variant type: single nucleotide variant.
Coding change: c.297A>G on transcript NM_033446.3 (MANE Select); coding-DNA position 297, A replaced by G.
Protein change: p.Ser99=; no amino-acid change (serine 99 retained).
Molecular consequence: synonymous variant.
Genome position (GRCh38, 1-based): chr9:126,381,156, A>G. VCF-style: chr9-126381156-A-G. GRCh37 (hg19) VCF-style: chr9-129143435-A-G.
Other names: c.297A>G, p.Ser99= (NM_001011703.3).
Identifiers: ClinVar variation 3061019 (VCV003061019.2), dbSNP rs2286889, ClinGen allele CA5241943.